The following is an entry in ClinVar:

ClinVar aggregate classification (germline): Uncertain significance. Review status: criteria provided, multiple submitters, no conflicts (2 of 4 stars). 2 submissions from 2 submitters: Uncertain significance (2). Last evaluated 2026-01-09.

Conditions:
Hereditary cancer-predisposing syndrome. Also called: Tumor predisposition; Hereditary Cancer Syndrome; Neoplastic Syndromes, Hereditary; Hereditary neoplastic syndrome. Identifiers: Orphanet 140162, MedGen C0027672, MeSH D009386, MONDO:0015356.

Allele frequency attached by ClinVar (database versions not stated): gnomAD exomes below 0.00001; gnomAD 0.00001; TOPMed 0.00001.
gnomAD v4.1: 3 of 1,613,676 alleles (0.00019%); highest among the groups gnomAD compares: Non-Finnish European, 0.00025%; no homozygotes.

Submissions (2):

Ambry Genetics
Classification: Uncertain significance for Hereditary cancer-predisposing syndrome. Last evaluated: 2026-01-09. Review status: criteria provided, single submitter. Criteria: Ambry Variant Classification Scheme 2023. Collection method: clinical testing. Allele origin: germline.
Comment: The p.H475N variant (also known as c.1423C>A), located in coding exon 14 of the POLE gene, results from a C to A substitution at nucleotide position 1423. The histidine at codon 475 is replaced by asparagine, an amino acid with similar properties. This amino acid position is highly conserved in available vertebrate species. In addition, this alteration is predicted to be tolerated by in silico analysis. Based on the available evidence, the clinical significance of this variant remains unclear.

Labcorp Genetics (formerly Invitae), Labcorp
Classification: Uncertain significance. Last evaluated: 2025-04-24. Review status: criteria provided, single submitter. Criteria: Invitae Variant Classification Sherloc (09022015). Collection method: clinical testing. Allele origin: germline.
Comment: This sequence change replaces histidine, which is basic and polar, with asparagine, which is neutral and polar, at codon 475 of the POLE protein (p.His475Asn). This variant is not present in population databases (gnomAD no frequency). This variant has not been reported in the literature in individuals affected with POLE-related conditions. ClinVar contains an entry for this variant (Variation ID: 484487). Invitae Evidence Modeling of protein sequence and biophysical properties (such as structural, functional, and spatial information, amino acid conservation, physicochemical variation, residue mobility, and thermodynamic stability) indicates that this missense variant is not expected to disrupt POLE protein function with a negative predictive value of 80%. In summary, the available evidence is currently insufficient to determine the role of this variant in disease. Therefore, it has been classified as a Variant of Uncertain Significance.

NM_006231.4(POLE):c.1423C>A (p.His475Asn)

Gene: POLE (DNA polymerase epsilon, catalytic subunit; minus strand). Cytogenetic location: 12q24.33.
Variant type: single nucleotide variant.
Coding change: c.1423C>A on transcript NM_006231.4 (MANE Select); coding-DNA position 1423, C replaced by A.
Protein change: p.His475Asn; replaces histidine 475 with asparagine.
Molecular consequence: missense variant.
Genome position (GRCh38, 1-based): chr12:132,673,214, G>T on the plus strand (C>A on the coding strand, the complement: POLE is on the minus strand). VCF-style: chr12-132673214-G-T. GRCh37 (hg19) VCF-style: chr12-133249800-G-T.
Other names: short protein forms H475N.
Identifiers: ClinVar variation 484487 (VCV000484487.17), dbSNP rs952195021, ClinGen allele CA246294106.